The following is an entry in ClinVar:

NM_002354.3(EPCAM):c.251C>G (p.Pro84Arg)

Gene: EPCAM (epithelial cell adhesion molecule; plus strand). Cytogenetic location: 2p21.
Variant type: single nucleotide variant.
Coding change: c.251C>G on transcript NM_002354.3 (MANE Select); coding-DNA position 251, C replaced by G.
Protein change: p.Pro84Arg; replaces proline 84 with arginine.
Molecular consequence: missense variant.
Genome position (GRCh38, 1-based): chr2:47,373,874, C>G. VCF-style: chr2-47373874-C-G. GRCh37 (hg19) VCF-style: chr2-47601013-C-G.
Other names: short protein forms P84R.
Identifiers: ClinVar variation 3275851 (VCV003275851.1).

ClinVar aggregate classification (germline): Uncertain significance (1 of 4 stars; one submission).

Conditions:
Hereditary cancer-predisposing syndrome. Also called: Tumor predisposition; Hereditary Cancer Syndrome; Hereditary neoplastic syndrome; Neoplastic Syndromes, Hereditary. Identifiers: Orphanet 140162, MedGen C0027672, MeSH D009386, MONDO:0015356.

gnomAD v4.1: 4 of 1,614,004 alleles (0.00025%); highest among the groups gnomAD compares: Non-Finnish European, 0.00034%; no homozygotes.

Submission:

Ambry Genetics
Classification: Uncertain significance for Hereditary cancer-predisposing syndrome. Last evaluated: 2024-06-08. Review status: criteria provided, single submitter. Criteria: Ambry Variant Classification Scheme 2023. Collection method: clinical testing. Allele origin: germline.
Comment: The p.P84R variant (also known as c.251C>G), located in coding exon 3 of the EPCAM gene, results from a C to G substitution at nucleotide position 251. The proline at codon 84 is replaced by arginine, an amino acid with dissimilar properties. This amino acid position is conserved. In addition, this alteration is predicted to be deleterious by in silico analysis. Based on the available evidence, the clinical significance of this variant remains unclear.